The following is an entry in ClinVar:

NM_002834.5(PTPN11):c.1213A>G (p.Lys405Glu)

Gene: PTPN11 (protein tyrosine phosphatase non-receptor type 11; plus strand). Cytogenetic location: 12q24.13.
Variant type: single nucleotide variant.
Coding change: c.1213A>G on transcript NM_002834.5 (MANE Select); coding-DNA position 1213, A replaced by G.
Protein change: p.Lys405Glu; replaces lysine 405 with glutamic acid.
Molecular consequence: missense variant.
Genome position (GRCh38, 1-based): chr12:112,482,194, A>G. VCF-style: chr12-112482194-A-G. GRCh37 (hg19) VCF-style: chr12-112919998-A-G.
Other names: c.1213A>G, p.Lys405Glu (NM_001330437.2, NM_080601.3); c.1210A>G, p.Lys404Glu (NM_001374625.1); short protein forms K404E, K405E.
Identifiers: ClinVar variation 3222831 (VCV003222831.2), dbSNP rs2135906978, ClinGen allele CA386776076.
Genomic context (GRCh38, chr12:112,482,194, plus strand): 5'-GTTAGGAACGTCAAAGAAAGCGCCGCTCATGACTATACGCTAAGAGAACTTAAACTTTCA[A>G]AGGTTGGACAAGTAAGTATATTGTCGTATTCTAGAGACTTTGGGAACTGTTGATGGTGTG-3'
Protein context (NP_002825.3, residues 395-415): DYTLRELKLS[Lys405Glu]VGQGNTERTV

ClinVar aggregate classification (germline): Uncertain significance. Review status: criteria provided, multiple submitters, no conflicts (2 of 4 stars). 2 submissions from 2 submitters: Uncertain significance (2). Last evaluated 2025-07-06.

Conditions:
RASopathy. Also called: rasopathies; Noonan spectrum disorder. Identifiers: Orphanet 536391, MedGen C5555857, MONDO:0021060.
Cardiovascular phenotype. Identifiers: MedGen CN230736.

gnomAD v4.1: 1 of 1,613,516 alleles (0.000062%); no homozygotes.

Submissions (2):

Labcorp Genetics (formerly Invitae), Labcorp
Classification: Uncertain significance for RASopathy. Last evaluated: 2025-07-06. Review status: criteria provided, single submitter. Criteria: Invitae Variant Classification Sherloc (09022015). Collection method: clinical testing. Allele origin: germline.
Comment: This sequence change replaces lysine, which is basic and polar, with glutamic acid, which is acidic and polar, at codon 405 of the PTPN11 protein (p.Lys405Glu). This variant is not present in population databases (gnomAD no frequency). This variant has not been reported in the literature in individuals affected with PTPN11-related conditions. ClinVar contains an entry for this variant (Variation ID: 3222831). Invitae Evidence Modeling of protein sequence and biophysical properties (such as structural, functional, and spatial information, amino acid conservation, physicochemical variation, residue mobility, and thermodynamic stability) has been performed for this missense variant. However, the output from this modeling did not meet the statistical confidence thresholds required to predict the impact of this variant on PTPN11 protein function. In summary, the available evidence is currently insufficient to determine the role of this variant in disease. Therefore, it has been classified as a Variant of Uncertain Significance.

Ambry Genetics
Classification: Uncertain significance for Cardiovascular phenotype. Last evaluated: 2023-12-29. Review status: criteria provided, single submitter. Criteria: Ambry Variant Classification Scheme 2023. Collection method: clinical testing. Allele origin: germline.
Comment: The p.K405E variant (also known as c.1213A>G), located in coding exon 10 of the PTPN11 gene, results from an A to G substitution at nucleotide position 1213. The lysine at codon 405 is replaced by glutamic acid, an amino acid with similar properties. This amino acid position is conserved. In addition, this alteration is predicted to be deleterious by in silico analysis. Since supporting evidence is limited at this time, the clinical significance of this alteration remains unclear.